The following is an entry in ClinVar:

ClinVar aggregate classification (germline): Likely benign (1 of 4 stars; one submission).

Allele frequency attached by ClinVar (database versions not stated): gnomAD exomes 0.00058; gnomAD 0.00496 and 0.00530; 1000 Genomes Project 0.00519; 1000 Genomes Project 30x 0.00531; TOPMed 0.00572.
gnomAD v4.1: 1,190 of 876,490 alleles (0.14%); highest among the groups gnomAD compares: African/African-American, 1.7%; 9 homozygotes.

Submission:

GeneDx
Classification: Likely benign. Last evaluated: 2018-06-18. Review status: criteria provided, single submitter. Criteria: GeneDx Variant Classification (06012015). Collection method: clinical testing. Allele origin: germline. Affected: yes.
Comment: This variant is considered likely benign or benign based on one or more of the following criteria: it is a conservative change, it occurs at a poorly conserved position in the protein, it is predicted to be benign by multiple in silico algorithms, and/or has population frequency not consistent with disease.

NM_001105206.3(LAMA4):c.4475+114T>C

Gene: LAMA4 (laminin subunit alpha 4; minus strand). Cytogenetic location: 6q21.
Variant type: single nucleotide variant.
Coding change: c.4475+114T>C on transcript NM_001105206.3 (MANE Select); 114 bases into the intron after coding-DNA position 4475, T replaced by C.
Molecular consequence: intron variant.
Genome position (GRCh38, 1-based): chr6:112,121,900, A>G on the plus strand (T>C on the coding strand, the complement: LAMA4 is on the minus strand). VCF-style: chr6-112121900-A-G. GRCh37 (hg19) VCF-style: chr6-112443103-A-G.
Other names: c.4454+114T>C (NM_002290.5, NM_001105207.3).
Identifiers: ClinVar variation 675662 (VCV000675662.1), dbSNP rs138072467, ClinGen allele CA144883515.